The following is an entry in ClinVar:

ClinVar aggregate classification (germline): Uncertain significance (1 of 4 stars; one submission).

Conditions:
Bloom syndrome (BLM). Also called: Bloom-Torre-Machacek syndrome. Identifiers: Orphanet 125, MedGen C0005859, MONDO:0008876, OMIM 210900.

Submission:

Labcorp Genetics (formerly Invitae), Labcorp
Classification: Uncertain significance for Bloom syndrome. Last evaluated: 2022-07-29. Review status: criteria provided, single submitter. Criteria: Invitae Variant Classification Sherloc (09022015). Collection method: clinical testing. Allele origin: germline.
Comment: This sequence change replaces asparagine, which is neutral and polar, with lysine, which is basic and polar, at codon 1162 of the BLM protein (p.Asn1162Lys). This variant is not present in population databases (gnomAD no frequency). This variant has not been reported in the literature in individuals affected with BLM-related conditions. Algorithms developed to predict the effect of missense changes on protein structure and function are either unavailable or do not agree on the potential impact of this missense change (SIFT: "Tolerated"; PolyPhen-2: "Possibly Damaging"; Align-GVGD: "Class C0"). In summary, the available evidence is currently insufficient to determine the role of this variant in disease. Therefore, it has been classified as a Variant of Uncertain Significance.

NM_000057.4(BLM):c.3486T>G (p.Asn1162Lys)

Gene: BLM (BLM RecQ like helicase; plus strand). Cytogenetic location: 15q26.1.
Variant type: single nucleotide variant.
Coding change: c.3486T>G on transcript NM_000057.4 (MANE Select); coding-DNA position 3486, T replaced by G.
Protein change: p.Asn1162Lys; replaces asparagine 1162 with lysine.
Molecular consequence: missense variant. On other transcripts: intron variant (1).
Genome position (GRCh38, 1-based): chr15:90,803,648, T>G. VCF-style: chr15-90803648-T-G. GRCh37 (hg19) VCF-style: chr15-91346878-T-G.
Other names: c.3486T>G, p.Asn1162Lys (NM_001287246.2); c.2361T>G, p.Asn787Lys (NM_001287248.2); c.3358+5311T>G (NM_001287247.2); short protein forms N1162K, N787K.
Identifiers: ClinVar variation 2194817 (VCV002194817.4), dbSNP rs2505547434, ClinGen allele CA393847708.